The following is an entry in ClinVar:

NM_001012720.2(RGR):c.328G>A (p.Ala110Thr)

Gene: RGR (retinal G protein coupled receptor; plus strand). Cytogenetic location: 10q23.1.
Variant type: single nucleotide variant.
Coding change: c.328G>A on transcript NM_001012720.2 (MANE Select); coding-DNA position 328, G replaced by A.
Protein change: p.Ala110Thr; replaces alanine 110 with threonine.
Molecular consequence: missense variant.
Genome position (GRCh38, 1-based): chr10:84,249,013, G>A. VCF-style: chr10-84249013-G-A. GRCh37 (hg19) VCF-style: chr10-86008769-G-A.
Other names: c.328G>A (NM_001012720.1); c.328G>A, p.Ala110Thr (NM_001012722.2); c.340G>A, p.Ala114Thr (NM_002921.4); short protein forms A110T, A114T.
Identifiers: ClinVar variation 1470796 (VCV001470796.9), dbSNP rs780231448, ClinGen allele CA5581384.

ClinVar aggregate classification (germline): Uncertain significance. Review status: criteria provided, multiple submitters, no conflicts (2 of 4 stars). 4 submissions from 4 submitters: Uncertain significance (4). Last evaluated 2025-06-19.

Conditions:
Retinitis pigmentosa 44 (RP44). Identifiers: Orphanet 791, MedGen C3151068, MONDO:0013414, OMIM 613769.

Allele frequency attached by ClinVar (database versions not stated): gnomAD exomes 0.00001; ExAC 0.00002.
gnomAD v4.1: 14 of 1,613,856 alleles (0.00087%); highest among the groups gnomAD compares: South Asian, 0.0066%; no homozygotes.

Submissions (4):

Labcorp Genetics (formerly Invitae), Labcorp
Classification: Uncertain significance. Last evaluated: 2025-06-19. Review status: criteria provided, single submitter. Criteria: Invitae Variant Classification Sherloc (09022015). Collection method: clinical testing. Allele origin: germline.
Comment: This sequence change replaces alanine, which is neutral and non-polar, with threonine, which is neutral and polar, at codon 110 of the RGR protein (p.Ala110Thr). This variant is present in population databases (rs780231448, gnomAD 0.01%). This variant has not been reported in the literature in individuals affected with RGR-related conditions. ClinVar contains an entry for this variant (Variation ID: 1470796). Experimental studies and prediction algorithms are not available or were not evaluated, and the functional significance of this variant is currently unknown. In summary, the available evidence is currently insufficient to determine the role of this variant in disease. Therefore, it has been classified as a Variant of Uncertain Significance.

Ambry Genetics
Classification: Uncertain significance. Last evaluated: 2024-10-24. Review status: criteria provided, single submitter. Criteria: Ambry Variant Classification Scheme 2023. Collection method: clinical testing. Allele origin: germline.

Blueprint Genetics
Classification: Uncertain significance. Last evaluated: 2021-09-07. Review status: criteria provided, single submitter. Criteria: ACMG Guidelines, 2015. Collection method: clinical testing. Allele origin: germline.

Neuberg Centre For Genomic Medicine, NCGM
Classification: Uncertain significance for Retinitis pigmentosa 44. Review status: criteria provided, single submitter. Criteria: ACMG Guidelines, 2015. Collection method: clinical testing. Allele origin: germline. Inheritance: Autosomal dominant inheritance. Affected: yes.
Comment: The missense variant c.328G>A (p.Ala110Thr) in the RGR gene has not been reported previously as a pathogenic variant nor as a benign variant, to our knowledge. This variant is reported with the allele frequency (0.004%) in the gnomAD Exomes. This variant has been reported to the ClinVar database as Uncertain Significance. However, no details are available for independent assessment. The amino acid Alanine at position 110 is changed to a Threonine changing protein sequence and it might alter its composition and physico- chemical properties. Multiple lines of computational evidence (Polyphen - Damaging, SIFT - Damaging and MutationTaster - Disease causing) predict a damaging effect on protein structure and function for this variant. The amino acid change p.Ala110Thr in RGR is predicted as conserved by GERP++ and PhyloP across 100 vertebrates. For these reasons, this variant has been classified as Uncertain Significance.